The following is an entry in ClinVar:

NM_001164508.2(NEB):c.1674+3A>C

Gene: NEB (nebulin; minus strand). Cytogenetic location: 2q23.3.
Variant type: single nucleotide variant.
Coding change: c.1674+3A>C on transcript NM_001164508.2 (MANE Select); 3 bases into the intron after coding-DNA position 1674, A replaced by C.
Molecular consequence: intron variant.
Genome position (GRCh38, 1-based): chr2:151,695,575, T>G on the plus strand (A>C on the coding strand, the complement: NEB is on the minus strand). VCF-style: chr2-151695575-T-G. GRCh37 (hg19) VCF-style: chr2-152552089-T-G.
Other names: c.1674+3A>C (NM_004543.5, NM_001164507.2, NM_001271208.2).
Identifiers: ClinVar variation 848550 (VCV000848550.6), dbSNP rs2099590253, ClinGen allele CA916080298.
Genomic context (GRCh38, chr2:151,695,575, plus strand): 5'-CAGTTCAAACATAAAAGCACAGGTTGTCAGTACATCACATGGTACAGGGCATAAGGAACT[T>G]ACATCACTCAAGTTATAGGCATTGACTTTGTGCTGGATAAAAGCAGGAGTATCAGGGGGG-3'

ClinVar aggregate classification (germline): Conflicting classifications of pathogenicity. Review status: criteria provided, conflicting classifications (1 of 4 stars). 3 submissions from 3 submitters: Likely pathogenic (1); Uncertain significance (2). Last evaluated 2024-08-31.

Conditions:
Nemaline myopathy 2 (NEM2). Also called: Nemaline myopathy 2, autosomal recessive. Identifiers: MedGen C1850569, MONDO:0009725, OMIM 256030.
NEB-related disorder. Also called: NEB-related condition; NEB-Related Disorders.

Submissions (3):

Women's Health and Genetics/Laboratory Corporation of America, LabCorp
Classification: Uncertain significance. Last evaluated: 2024-08-31. Review status: criteria provided, single submitter. Criteria: LabCorp Variant Classification Summary - May 2015. Collection method: clinical testing. Allele origin: germline.

Labcorp Genetics (formerly Invitae), Labcorp
Classification: Uncertain significance for Nemaline myopathy 2. Last evaluated: 2019-11-19. Review status: criteria provided, single submitter. Criteria: Invitae Variant Classification Sherloc (09022015). Collection method: clinical testing. Allele origin: germline.
Comment: This sequence change falls in intron 18 of the NEB gene. It does not directly change the encoded amino acid sequence of the NEB protein, but it affects a nucleotide within the consensus splice site of the intron. This variant is not present in population databases (ExAC no frequency). This variant has not been reported in the literature in individuals with NEB-related conditions. Nucleotide substitutions within the consensus splice site are a relatively common cause of aberrant splicing (PMID: 17576681, 9536098). Algorithms developed to predict the effect of sequence changes on RNA splicing suggest that this variant may disrupt the consensus splice site, but this prediction has not been confirmed by published transcriptional studies. In summary, the available evidence is currently insufficient to determine the role of this variant in disease. Therefore, it has been classified as a Variant of Uncertain Significance.

Blueprint Genetics
Classification: Likely pathogenic for NEB-related disorders. Last evaluated: 2018-10-12. Review status: criteria provided, single submitter. Criteria: ACMG Guidelines, 2015. Collection method: clinical testing. Allele origin: germline. Affected: yes. Observed: 1 variant allele.

Literature cited by the submitters: PubMed 17576681 (cited by Labcorp Genetics (formerly Invitae), Labcorp); PubMed 9536098 (cited by Labcorp Genetics (formerly Invitae), Labcorp).